The following is an entry in ClinVar:

ClinVar aggregate classification (germline): Uncertain significance. Review status: criteria provided, multiple submitters, no conflicts (2 of 4 stars). 3 submissions from 3 submitters: Uncertain significance (3). Last evaluated 2025-12-18.

Conditions:
Inborn genetic diseases. Identifiers: MedGen C0950123, MeSH D030342.
Oculodentodigital dysplasia, autosomal recessive. Also called: OCULODENTOOSSEOUS DYSPLASIA, AUTOSOMAL RECESSIVE; ODDD, AUTOSOMAL RECESSIVE; ODOD, AUTOSOMAL RECESSIVE. Identifiers: Orphanet 2710, MedGen C2749477, MONDO:0009768, OMIM 257850.

Allele frequency attached by ClinVar (database versions not stated): gnomAD exomes below 0.00001 and 0.00002; ExAC 0.00002; TOPMed 0.00009; gnomAD 0.00013 and 0.00015.
gnomAD v4.1: 25 of 1,613,836 alleles (0.0015%); highest among the groups gnomAD compares: African/African-American, 0.033%; no homozygotes.

Submissions (3):

GeneDx
Classification: Uncertain significance. Last evaluated: 2025-12-18. Review status: criteria provided, single submitter. Criteria: GeneDx Variant Classification Process June 2021. Collection method: clinical testing. Allele origin: germline. Affected: yes.
Comment: In silico analysis suggests that this missense variant does not alter protein structure/function; Has not been previously published as pathogenic or benign to our knowledge

Ambry Genetics
Classification: Uncertain significance for Inborn genetic diseases. Last evaluated: 2024-11-09. Review status: criteria provided, single submitter. Criteria: Ambry Variant Classification Scheme 2023. Collection method: clinical testing. Allele origin: germline.

Labcorp Genetics (formerly Invitae), Labcorp
Classification: Uncertain significance for Oculodentodigital dysplasia, autosomal recessive. Last evaluated: 2021-11-15. Review status: criteria provided, single submitter. Criteria: Invitae Variant Classification Sherloc (09022015). Collection method: clinical testing. Allele origin: germline.
Comment: In summary, the available evidence is currently insufficient to determine the role of this variant in disease. Therefore, it has been classified as a Variant of Uncertain Significance. Algorithms developed to predict the effect of missense changes on protein structure and function are either unavailable or do not agree on the potential impact of this missense change (SIFT: "Deleterious"; PolyPhen-2: "Benign"; Align-GVGD: "Class C0"). ClinVar contains an entry for this variant (Variation ID: 1310532). This variant has not been reported in the literature in individuals affected with GJA1-related conditions. This variant is present in population databases (rs149442143, gnomAD 0.04%). This sequence change replaces serine, which is neutral and polar, with proline, which is neutral and non-polar, at codon 262 of the GJA1 protein (p.Ser262Pro).

NM_000165.5(GJA1):c.784T>C (p.Ser262Pro)

Gene: GJA1 (gap junction protein alpha 1; plus strand). Cytogenetic location: 6q22.31.
Variant type: single nucleotide variant.
Coding change: c.784T>C on transcript NM_000165.5 (MANE Select); coding-DNA position 784, T replaced by C.
Protein change: p.Ser262Pro; replaces serine 262 with proline.
Molecular consequence: missense variant.
Genome position (GRCh38, 1-based): chr6:121,447,631, T>C. VCF-style: chr6-121447631-T-C. GRCh37 (hg19) VCF-style: chr6-121768777-T-C.
Other names: short protein forms S262P.
Identifiers: ClinVar variation 1310532 (VCV001310532.9), dbSNP rs149442143, ClinGen allele CA3981756.
Genomic context (GRCh38, chr6:121,447,631, plus strand): 5'-GGAAAGAGCGACCCTTACCATGCGACCAGTGGTGCGCTGAGCCCTGCCAAAGACTGTGGG[T>C]CTCAAAAATATGCTTATTTCAATGGCTGCTCCTCACCAACCGCTCCCCTCTCGCCTATGT-3'
Protein context (NP_000156.1, residues 252-272): GALSPAKDCG[Ser262Pro]QKYAYFNGCS